The following is an entry in ClinVar:

ClinVar aggregate classification (germline): Pathogenic (1 of 4 stars; one submission).

Submission:

Labcorp Genetics (formerly Invitae), Labcorp
Classification: Pathogenic. Last evaluated: 2022-08-12. Review status: criteria provided, single submitter. Criteria: Invitae Variant Classification Sherloc (09022015). Collection method: clinical testing. Allele origin: germline.
Comment: For these reasons, this variant has been classified as Pathogenic. ClinVar contains an entry for this variant (Variation ID: 1386242). This premature translational stop signal has been observed in individual(s) with retinoschisis (PMID: 33460243). This variant is not present in population databases (gnomAD no frequency). This sequence change creates a premature translational stop signal (p.Tyr155*) in the RS1 gene. It is expected to result in an absent or disrupted protein product. Loss-of-function variants in RS1 are known to be pathogenic (PMID: 9618178, 17172462).

Literature cited by the submitters: PubMed 33460243; PubMed 9618178; PubMed 17172462.

NM_000330.4(RS1):c.464dup (p.Tyr155Ter)

Genes: CDKL5 (cyclin dependent kinase like 5; plus strand), RS1 (retinoschisin 1; minus strand). Cytogenetic location: Xp22.13.
Variant type: Duplication.
Coding change: c.464dup on transcript NM_000330.4 (MANE Select); coding-DNA position 464, one base duplicated (A; older notation c.464dupA).
Protein change: p.Tyr155Ter; replaces tyrosine 155 with a stop codon.
Molecular consequence: nonsense. On other transcripts: intron variant (2).
Genome position (GRCh38, 1-based): chrX:18,644,488, T duplicated on the plus strand (A on the coding strand, the reverse complement: RS1 is on the minus strand). VCF-style (leftmost placement, unchanged base first): chrX-18644487-G-GT. GRCh37 (hg19) VCF-style: chrX-18662607-G-GT.
Other names: c.2714-1519dup (NM_003159.3, NM_001037343.2); short protein forms Y155*.
Identifiers: ClinVar variation 1386242 (VCV001386242.8), dbSNP rs2147191194, ClinGen allele CA2573158454.